The following is an entry in ClinVar:

NM_025114.4(CEP290):c.6943G>A (p.Glu2315Lys)

Gene: CEP290 (centrosomal protein 290; minus strand). Cytogenetic location: 12q21.32.
Variant type: single nucleotide variant.
Coding change: c.6943G>A on transcript NM_025114.4 (MANE Select); coding-DNA position 6943, G replaced by A.
Protein change: p.Glu2315Lys; replaces glutamic acid 2315 with lysine.
Molecular consequence: missense variant.
Genome position (GRCh38, 1-based): chr12:88,055,593, C>T on the plus strand (G>A on the coding strand, the complement: CEP290 is on the minus strand). VCF-style: chr12-88055593-C-T. GRCh37 (hg19) VCF-style: chr12-88449370-C-T.
Other names: short protein forms E2315K.
Identifiers: ClinVar variation 4992447 (VCV004992447.1).
Genomic context (GRCh38, chr12:88,055,593, plus strand): 5'-TTATGCATTATTTTATCATGTAAAGAAAAATTACGTTACTTACCTGTTGTTCAAGGTCTT[C>T]ATTGTATTTGTTAACTTTTTGTTCTCTCTCTGTTGCTTCTTTTACAAGCTGTTTAAGGTC-3'
Protein context (NP_079390.3, residues 2305-2325): EREQKVNKYN[Glu2315Lys]DLEQQIKILK

ClinVar aggregate classification (germline): Uncertain significance (1 of 4 stars; one submission).

Conditions:
CEP290-related disorder. Also called: CEP290-related disorders; CEP290-related condition. Identifiers: MedGen CN239314.

Submission:

PreventionGenetics, part of Exact Sciences
Classification: Uncertain significance for CEP290-related condition. Last evaluated: 2026-01-23. Review status: criteria provided, single submitter. Criteria: ACMG Guidelines, 2015. Collection method: clinical testing. Allele origin: germline.
Comment: The CEP290 c.6943G>A variant is predicted to result in the amino acid substitution p.Glu2315Lys. To our knowledge, this variant has not been reported in the literature or in a large population database (gnomAD), indicating this variant is rare. At this time, the clinical significance of this variant is uncertain due to the absence of conclusive functional and genetic evidence.